The following is an entry in ClinVar:

ClinVar aggregate classification (germline): Pathogenic (1 of 4 stars; one submission).

Conditions:
Hyper-IgM syndrome type 1. Also called: Hyper-IgM Immunodeficiency Syndrome, Type 1; CD40 Ligand Deficiency; X-linked hyper-IgM syndrome; Immunodeficiency, X-linked, with hyper-IgM. Identifiers: Orphanet 101088, MedGen C0398689, MONDO:0010626, OMIM 308230.

Submission:

Labcorp Genetics (formerly Invitae), Labcorp
Classification: Pathogenic for Hyper-IgM syndrome type 1. Last evaluated: 2024-11-10. Review status: criteria provided, single submitter. Criteria: Invitae Variant Classification Sherloc (09022015). Collection method: clinical testing. Allele origin: germline.
Comment: This sequence change creates a premature translational stop signal (p.Ala215Profs*27) in the CD40LG gene. While this is not anticipated to result in nonsense mediated decay, it is expected to disrupt the last 47 amino acid(s) of the CD40LG protein. This variant is not present in population databases (gnomAD no frequency). This premature translational stop signal has been observed in individual(s) with clinical features of CD40LG-related conditions (PMID: 34982304). This variant disrupts a region of the CD40LG protein in which other variant(s) (p.Gly257Asp) have been determined to be pathogenic (PMID: 10366125; internal data)). This suggests that this is a clinically significant region of the protein, and that variants that disrupt it are likely to be disease-causing. For these reasons, this variant has been classified as Pathogenic.

Literature cited by the submitters: PubMed 34982304; PubMed 10366125.

NM_000074.3(CD40LG):c.642del (p.Ala215fs)

Gene: CD40LG (CD40 ligand; plus strand). Cytogenetic location: Xq26.3.
Variant type: Deletion.
Coding change: c.642del on transcript NM_000074.3 (MANE Select); coding-DNA position 642, one base deleted (C; older notation c.642delC).
Protein change: p.Ala215fs; shifts the reading frame from alanine 215.
Molecular consequence: frameshift variant.
Genome position (GRCh38, 1-based): chrX:136,659,271, C deleted; the last of 2 consecutive C bases (chrX:136,659,270-136,659,271); deleting either gives the same sequence. VCF-style (leftmost placement, unchanged base first): chrX-136659269-TC-T. GRCh37 (hg19) VCF-style: chrX-135741428-TC-T.
Other names: short protein forms A215fs.
Identifiers: ClinVar variation 3704507 (VCV003704507.2).
Genomic context (GRCh38, chrX:136,659,269, plus strand): 5'-TGCCTAAAGTCCCCCGGTAGATTCGAGAGAATCTTACTCAGAGCTGCAAATACCCACAGT[TC>T]CGCCAAACCTTGCGGGCAACAATCCATTCACTTGGGAGGAGTATTTGAATTGCAACCAGG-3'